The following is an entry in ClinVar:

ClinVar aggregate classification (germline): Uncertain significance (1 of 4 stars; one submission).

gnomAD v4.1: 5 of 1,599,020 alleles (0.00031%); highest among the groups gnomAD compares: Non-Finnish European, 0.00043%; no homozygotes.

Submission:

Labcorp Genetics (formerly Invitae), Labcorp
Classification: Uncertain significance. Last evaluated: 2025-02-04. Review status: criteria provided, single submitter. Criteria: Invitae Variant Classification Sherloc (09022015). Collection method: clinical testing. Allele origin: germline.
Comment: This sequence change replaces arginine, which is basic and polar, with leucine, which is neutral and non-polar, at codon 77 of the ZBTB20 protein (p.Arg77Leu). This variant is not present in population databases (gnomAD no frequency). This variant has not been reported in the literature in individuals affected with ZBTB20-related conditions. Invitae Evidence Modeling of protein sequence and biophysical properties (such as structural, functional, and spatial information, amino acid conservation, physicochemical variation, residue mobility, and thermodynamic stability) has been performed for this missense variant. However, the output from this modeling did not meet the statistical confidence thresholds required to predict the impact of this variant on ZBTB20 protein function. In summary, the available evidence is currently insufficient to determine the role of this variant in disease. Therefore, it has been classified as a Variant of Uncertain Significance.

NM_001348800.3(ZBTB20):c.230G>T (p.Arg77Leu)

Genes: ZBTB20-AS1 (ZBTB20 antisense RNA 1; plus strand), ZBTB20 (zinc finger and BTB domain containing 20; minus strand). Cytogenetic location: 3q13.31.
Variant type: single nucleotide variant.
Coding change: c.230G>T on transcript NM_001348800.3 (MANE Select); coding-DNA position 230, G replaced by T.
Protein change: p.Arg77Leu; replaces arginine 77 with leucine.
Molecular consequence: missense variant. On other transcripts: non-coding transcript variant (1).
Genome position (GRCh38, 1-based): chr3:114,351,848, C>A on the plus strand (G>T on the coding strand, the complement: ZBTB20 is on the minus strand). VCF-style: chr3-114351848-C-A. GRCh37 (hg19) VCF-style: chr3-114070695-C-A.
Other names: c.230G>T, p.Arg77Leu (NM_001164342.2, NM_001348803.3, NM_001393393.1 and 1 more transcripts); c.11G>T, p.Arg4Leu (NM_001164343.2, NM_001164344.4, NM_001164345.4 and 9 more transcripts); short protein forms R4L, R77L.
Identifiers: ClinVar variation 4806179 (VCV004806179.1).